The following is an entry in ClinVar:

ClinVar aggregate classification (germline): Uncertain significance (1 of 4 stars; one submission).

Conditions:
Hereditary pheochromocytoma and paraganglioma. Also called: Hereditary pheochromocytoma-paraganglioma; Hereditary Paraganglioma-Pheochromocytoma Syndromes; Hereditary paragangliomas and pheochromocytomas. Identifiers: Orphanet 29072, MedGen C4274332, MONDO:0017366.

Submission:

Labcorp Genetics (formerly Invitae), Labcorp
Classification: Uncertain significance for Hereditary pheochromocytoma and paraganglioma. Last evaluated: 2025-09-27. Review status: criteria provided, single submitter. Criteria: Invitae Variant Classification Sherloc (09022015). Collection method: clinical testing. Allele origin: germline.
Comment: This sequence change replaces proline, which is neutral and non-polar, with serine, which is neutral and polar, at codon 24 of the TMEM127 protein (p.Pro24Ser). This variant is not present in population databases (gnomAD no frequency). This variant has not been reported in the literature in individuals affected with TMEM127-related conditions. Experimental studies and prediction algorithms are not available or were not evaluated, and the functional significance of this variant is currently unknown. In summary, the available evidence is currently insufficient to determine the role of this variant in disease. Therefore, it has been classified as a Variant of Uncertain Significance.

NM_017849.4(TMEM127):c.70C>T (p.Pro24Ser)

Genes: TMEM127 (transmembrane protein 127; minus strand), LOC129934333 (ATAC-STARR-seq lymphoblastoid silent region 11759; plus strand). Cytogenetic location: 2q11.2.
Variant type: single nucleotide variant.
Coding change: c.70C>T on transcript NM_017849.4 (MANE Select); coding-DNA position 70, C replaced by T.
Protein change: p.Pro24Ser; replaces proline 24 with serine.
Molecular consequence: missense variant. On other transcripts: intron variant (1).
Genome position (GRCh38, 1-based): chr2:96,265,312, G>A on the plus strand (C>T on the coding strand, the complement: TMEM127 is on the minus strand). VCF-style: chr2-96265312-G-A. GRCh37 (hg19) VCF-style: chr2-96931050-G-A.
Other names: c.70C>T, p.Pro24Ser (NM_001193304.3); c.-9+557C>T (NM_001407283.1); short protein forms P24S.
Identifiers: ClinVar variation 4704113 (VCV004704113.1).